The following is an entry in ClinVar:

ClinVar aggregate classification (germline): Likely pathogenic (1 of 4 stars; one submission).

Conditions:
Hyaline fibromatosis syndrome (HFS). Also called: HYALINOSIS, SYSTEMIC; Hyalinosis, Inherited Systemic. Identifiers: Orphanet 2028, Orphanet 498474, MedGen C5574677, MONDO:0009229, OMIM 228600.

Submission:

Department of Paediatric Medicine, Post Graduation Institute of Medical Education and Research
Classification: Likely pathogenic for Hyaline fibromatosis syndrome. Last evaluated: 2019-09-24. Review status: criteria provided, single submitter. Criteria: ACMG Guidelines, 2015. Collection method: clinical testing. Allele origin: inherited. Inheritance: Autosomal recessive inheritance. Affected: yes. Observed: 1 variant allele, 1 compound heterozygote.
Comment: A single base pair duplication in exon 9 of the ANTXR2 gene (chr4:g.80954652dupT; Depth: 57x) that results in a stop codon and premature truncation of the protein at codon 257 (p.Tyr257Ter; ENST00000307333.7) was detected. This ANTXR2 variant has not been reported in the 1000 Genomes, ExAC and our internal databases. The in silico prediction of the variant is damaging by MutationTaster2. The reference codon is conserved across species.

NM_058172.6(ANTXR2):c.770dup (p.Tyr257Ter)

Gene: ANTXR2 (ANTXR cell adhesion molecule 2; minus strand). Cytogenetic location: 4q21.21.
Variant type: Duplication.
Coding change: c.770dup on transcript NM_058172.6 (MANE Select); coding-DNA position 770, one base duplicated (A; older notation c.770dupA).
Protein change: p.Tyr257Ter; replaces tyrosine 257 with a stop codon.
Molecular consequence: nonsense.
Genome position (GRCh38, 1-based): chr4:80,033,498, T duplicated on the plus strand (A on the coding strand, the reverse complement: ANTXR2 is on the minus strand). VCF-style (leftmost placement, unchanged base first): chr4-80033497-G-GT. GRCh37 (hg19) VCF-style: chr4-80954651-G-GT.
Other names: c.770dup, p.Tyr257Ter (NM_001145794.2); c.539dup, p.Tyr180Ter (NM_001286780.2, NM_001286781.2); short protein forms Y180*, Y257*.
Identifiers: ClinVar variation 813288 (VCV000813288.3), dbSNP rs1578172709, ClinGen allele CA915943131.